The following is an entry in ClinVar:

NM_006231.4(POLE):c.6275G>C (p.Gly2092Ala)

Gene: POLE (DNA polymerase epsilon, catalytic subunit; minus strand). Cytogenetic location: 12q24.33.
Variant type: single nucleotide variant.
Coding change: c.6275G>C on transcript NM_006231.4 (MANE Select); coding-DNA position 6275, G replaced by C.
Protein change: p.Gly2092Ala; replaces glycine 2092 with alanine.
Molecular consequence: missense variant.
Genome position (GRCh38, 1-based): chr12:132,632,370, C>G on the plus strand (G>C on the coding strand, the complement: POLE is on the minus strand). VCF-style: chr12-132632370-C-G. GRCh37 (hg19) VCF-style: chr12-133208956-C-G.
Other names: short protein forms G2092A.
Identifiers: ClinVar variation 1752560 (VCV001752560.2), dbSNP rs1487447963, ClinGen allele CA387369430.

ClinVar aggregate classification (germline): Uncertain significance (1 of 4 stars; one submission).

Conditions:
Hereditary cancer-predisposing syndrome. Also called: Hereditary Cancer Syndrome; Hereditary neoplastic syndrome; Neoplastic Syndromes, Hereditary; Tumor predisposition. Identifiers: Orphanet 140162, MedGen C0027672, MeSH D009386, MONDO:0015356.

Submission:

Ambry Genetics
Classification: Uncertain significance for Hereditary cancer-predisposing syndrome. Last evaluated: 2022-10-17. Review status: criteria provided, single submitter. Criteria: Ambry Variant Classification Scheme 2023. Collection method: clinical testing. Allele origin: germline.
Comment: The p.G2092A variant (also known as c.6275G>C), located in coding exon 45 of the POLE gene, results from a G to C substitution at nucleotide position 6275. The glycine at codon 2092 is replaced by alanine, an amino acid with similar properties. This amino acid position is conserved. In addition, the in silico prediction for this alteration is inconclusive. Since supporting evidence is limited at this time, the clinical significance of this alteration remains unclear.